The following is an entry in ClinVar:

NM_001267550.2(TTN):c.25704G>A (p.Arg8568=)

Gene: TTN (titin; minus strand). Cytogenetic location: 2q31.2.
Variant type: single nucleotide variant.
Coding change: c.25704G>A on transcript NM_001267550.2 (MANE Select); coding-DNA position 25704, G replaced by A.
Protein change: p.Arg8568=; no amino-acid change (arginine 8568 retained).
Molecular consequence: synonymous variant. On other transcripts: intron variant (3).
Genome position (GRCh38, 1-based): chr2:178,715,710, C>T on the plus strand (G>A on the coding strand, the complement: TTN is on the minus strand). VCF-style: chr2-178715710-C-T. GRCh37 (hg19) VCF-style: chr2-179580437-C-T.
Other names: p.Arg8251=; c.24753G>A, p.Arg8251= (NM_001256850.1); c.21972G>A, p.Arg7324= (NM_133378.4); c.13282+22372G>A (NM_003319.4); c.13858+22372G>A (NM_133437.4); c.13657+22372G>A (NM_133432.3).
Identifiers: ClinVar variation 46764 (VCV000046764.75), dbSNP rs150544093, ClinGen allele CA139146.
Genomic context (GRCh38, chr2:178,715,710, plus strand): 5'-AGTCTCGTCCTTATACCATAAAACTTTGATTTCTGGAGACCCACCGATTTTGCATTCATA[C>T]CTTGTGAATTCATCCTGTTTCACAATTCTTGAAGGTTCTAGCTTCTTAATGAACCTGGGT-3'
Protein context (NP_001254479.2, residues 8558-8578): SRIVKQDEFT[Arg8568=]YECKIGGSPE

ClinVar aggregate classification (germline): Conflicting classifications of pathogenicity. Review status: criteria provided, conflicting classifications (1 of 4 stars). 20 submissions from 16 submitters: Uncertain significance (3); Benign (6); Likely benign (6). 5 of the submissions do not count toward it. Last evaluated 2026-06-01.

Conditions:
TTN-related disorder. Also called: TTN-related condition; TTN-related disease; TTN-related disorders.
Dilated cardiomyopathy 1G (CMD1G). Identifiers: Orphanet 154, MedGen C1858763, MONDO:0011400, OMIM 604145.
Autosomal recessive limb-girdle muscular dystrophy type 2J (LGMDR10). Also called: Limb-girdle muscular dystrophy, type 2J; MUSCULAR DYSTROPHY, LIMB-GIRDLE, AUTOSOMAL RECESSIVE 10. Identifiers: Orphanet 140922, MedGen C1837342, MONDO:0012127, OMIM 608807.
Cardiomyopathy (CMYO). Also called: Cardiomyopathies. Identifiers: Orphanet 167848, MedGen C0878544, MONDO:0004994, HP:0001638. Inheritance: Various modes of inheritance.
Early-onset myopathy with fatal cardiomyopathy (CMYO5). Also called: Salih Myopathy; CONGENITAL MYOPATHY 5 WITH CARDIOMYOPATHY. Identifiers: Orphanet 289377, MedGen C2673677, MONDO:0012714, OMIM 611705. Disease mechanism: loss of function.
Myopathy, myofibrillar, 9, with early respiratory failure (MFM9). Also called: Hereditary myopathy with early respiratory failure; Myopathy, distal, with early respiratory failure, autosomal dominant; EDSTROM MYOPATHY; MYOPATHY, PROXIMAL, WITH EARLY RESPIRATORY MUSCLE INVOLVEMENT. Identifiers: Orphanet 178464, Orphanet 34521, MedGen C1863599, MONDO:0011362, OMIM 603689.
Tibial muscular dystrophy (TMD). Also called: Udd Distal Myopathy – Tibial Muscular Dystrophy; Tibial muscular dystrophy, tardive; UDD MYOPATHY. Identifiers: Orphanet 609, MedGen C1838244, MONDO:0010870, OMIM 600334.

Allele frequency attached by ClinVar (database versions not stated): gnomAD exomes 0.00048; ExAC 0.00063; ESP Exome Variant Server 0.00067; gnomAD 0.00090 and 0.00097; 1000 Genomes Project 0.00100; 1000 Genomes Project 30x 0.00109; TOPMed 0.00119.
gnomAD v4.1: 478 of 1,605,682 alleles (0.03%); highest among the groups gnomAD compares: African/African-American, 0.2%; no homozygotes.

Submissions (20):

CeGaT Center for Human Genetics Tuebingen
Classification: Likely benign. Last evaluated: 2026-06-01. Review status: criteria provided, single submitter. Criteria: CeGaT Center For Human Genetics Tuebingen Variant Classification Criteria Version 2. Collection method: clinical testing. Allele origin: germline. Affected: yes. Observed: 19 variant alleles.
Comment: TTN: BP4, BP7

Labcorp Genetics (formerly Invitae), Labcorp
Classification: Benign for Dilated cardiomyopathy 1G; Autosomal recessive limb-girdle muscular dystrophy type 2J. Last evaluated: 2026-02-03. Review status: criteria provided, single submitter. Criteria: Invitae Variant Classification Sherloc (09022015). Collection method: clinical testing. Allele origin: germline.

Mayo Clinic Laboratories, Mayo Clinic
Classification: Likely benign. Last evaluated: 2025-05-02. Review status: criteria provided, single submitter. Criteria: ACMG Guidelines, 2015. Collection method: clinical testing. Allele origin: germline. Observed: 5 variant alleles.
Comment: BS1

Molecular Diagnostic Laboratory for Inherited Cardiovascular Disease, Montreal Heart Institute
Classification: Likely benign. Last evaluated: 2025-04-09. Review status: criteria provided, single submitter. Criteria: ACMG Guidelines, 2015. Collection method: clinical testing. Allele origin: germline. Affected: no.

Blueprint Genetics
Classification: Likely benign. Last evaluated: 2024-11-01. Review status: criteria provided, single submitter. Criteria: ACMG Guidelines, 2015. Collection method: clinical testing. Allele origin: germline.

Women's Health and Genetics/Laboratory Corporation of America, LabCorp
Classification: Benign. Last evaluated: 2020-09-24. Review status: criteria provided, single submitter. Criteria: LabCorp Variant Classification Summary - May 2015. Collection method: clinical testing. Allele origin: germline.

Illumina Laboratory Services, Illumina
Classification: Benign for Tibial muscular dystrophy. Last evaluated: 2018-01-12. Review status: criteria provided, single submitter. Criteria: ICSL Variant Classification Criteria 13 December 2019. Collection method: clinical testing. Allele origin: germline.
Comment: This variant was observed in the ICSL laboratory as part of a predisposition screen in an ostensibly healthy population. It had not been previously curated by ICSL or reported in the Human Gene Mutation Database (HGMD: prior to June 1st, 2018), and was therefore a candidate for classification through an automated scoring system. Utilizing variant allele frequency, disease prevalence and penetrance estimates, and inheritance mode, an automated score was calculated to assess if this variant is too frequent to cause the disease. Based on the score and internal cut-off values, a variant classified as benign is not then subjected to further curation. The score for this variant resulted in a classification of benign for this disease.

Illumina Laboratory Services, Illumina
Classification: Uncertain significance for Autosomal recessive limb-girdle muscular dystrophy type 2J. Last evaluated: 2018-01-12. Review status: criteria provided, single submitter. Criteria: ICSL Variant Classification Criteria 13 December 2019. Collection method: clinical testing. Allele origin: germline.

Illumina Laboratory Services, Illumina
Classification: Uncertain significance for Early-onset myopathy with fatal cardiomyopathy. Last evaluated: 2018-01-12. Review status: criteria provided, single submitter. Criteria: ICSL Variant Classification Criteria 13 December 2019. Collection method: clinical testing. Allele origin: germline.

Illumina Laboratory Services, Illumina
Classification: Benign for Myopathy, myofibrillar, 9, with early respiratory failure. Last evaluated: 2018-01-12. Review status: criteria provided, single submitter. Criteria: ICSL Variant Classification Criteria 13 December 2019. Collection method: clinical testing. Allele origin: germline.
Comment: the same text as in the submission from Illumina Laboratory Services, Illumina above.

Illumina Laboratory Services, Illumina
Classification: Uncertain significance for Dilated cardiomyopathy 1G. Last evaluated: 2018-01-12. Review status: criteria provided, single submitter. Criteria: ICSL Variant Classification Criteria 13 December 2019. Collection method: clinical testing. Allele origin: germline.

CHEO Genetics Diagnostic Laboratory, Children's Hospital of Eastern Ontario
Classification: Benign for Cardiomyopathy. Last evaluated: 2018-01-02. Review status: criteria provided, single submitter. Criteria: ACMG Guidelines, 2015. Collection method: clinical testing. Allele origin: germline.

Eurofins Ntd Llc (ga)
Classification: Likely benign. Last evaluated: 2015-07-21. Review status: criteria provided, single submitter. Criteria: EGL Classification Definitions 2015. Collection method: clinical testing. Allele origin: germline. Observed: 1 variant allele, 1 heterozygote.

GeneDx
Classification: Benign. Last evaluated: 2015-04-22. Review status: criteria provided, single submitter. Criteria: GeneDx Variant Classification (06012015). Collection method: clinical testing. Allele origin: germline. Affected: yes.
Comment: This variant is considered likely benign or benign based on one or more of the following criteria: it is a conservative change, it occurs at a poorly conserved position in the protein, it is predicted to be benign by multiple in silico algorithms, and/or has population frequency not consistent with disease.

Laboratory for Molecular Medicine, Mass General Brigham Personalized Medicine
Classification: Likely benign. Last evaluated: 2015-04-15. Review status: criteria provided, single submitter. Criteria: LMM Criteria. Collection method: clinical testing. Allele origin: germline. Observed: 3 variant alleles.
Comment: p.Arg7324Arg in exon 86 of TTN: This variant is not expected to have clinical si gnificance because it does not alter an amino acid residue and is not located wi thin the splice consensus sequence. It has been identified in 0.2% (16/6518) of African chromosomes by the Exome Aggregation Consortium (ExAC; dbSNP rs150544093).

PreventionGenetics, part of Exact Sciences
Classification: Benign for TTN-related condition. Last evaluated: 2019-05-20. Review status: no assertion criteria provided. Collection method: clinical testing. Allele origin: germline. Not counted in ClinVar's aggregate classification.
Comment: This variant is classified as benign based on ACMG/AMP sequence variant interpretation guidelines (Richards et al. 2015 PMID: 25741868, with internal and published modifications).

Clinical Genetics DNA and cytogenetics Diagnostics Lab, Erasmus MC, Erasmus Medical Center
Classification: Likely benign. Review status: no assertion criteria provided. Collection method: clinical testing. Allele origin: germline. Affected: yes. Study: VKGL Data-share Consensus. Not counted in ClinVar's aggregate classification.

Clinical Genetics, Academic Medical Center
Classification: Benign. Review status: no assertion criteria provided. Collection method: clinical testing. Allele origin: germline. Affected: yes. Study: VKGL Data-share Consensus. Not counted in ClinVar's aggregate classification.

Diagnostic Laboratory, Department of Genetics, University Medical Center Groningen
Classification: Likely benign. Review status: no assertion criteria provided. Collection method: clinical testing. Allele origin: germline. Affected: yes. Study: VKGL Data-share Consensus. Not counted in ClinVar's aggregate classification.

Joint Genome Diagnostic Labs from Nijmegen and Maastricht, Radboudumc and MUMC+
Classification: Likely benign. Review status: no assertion criteria provided. Collection method: clinical testing. Allele origin: germline. Affected: yes. Study: VKGL Data-share Consensus. Not counted in ClinVar's aggregate classification.